The following is an entry in ClinVar:

NM_005515.4(MNX1):c.983C>G (p.Pro328Arg)

Gene: MNX1 (motor neuron and pancreas homeobox 1; minus strand). Cytogenetic location: 7q36.3.
Variant type: single nucleotide variant.
Coding change: c.983C>G on transcript NM_005515.4 (MANE Select); coding-DNA position 983, C replaced by G.
Protein change: p.Pro328Arg; replaces proline 328 with arginine.
Molecular consequence: missense variant.
Genome position (GRCh38, 1-based): chr7:157,005,743, G>C on the plus strand (C>G on the coding strand, the complement: MNX1 is on the minus strand). VCF-style: chr7-157005743-G-C. GRCh37 (hg19) VCF-style: chr7-156798437-G-C.
Other names: c.347C>G, p.Pro116Arg (NM_001165255.2); short protein forms P328R, P116R.
Identifiers: ClinVar variation 3594449 (VCV003594449.2).
Genomic context (GRCh38, chr7:157,005,743, plus strand): 5'-AGGCGGCGTCCGCTGCCCTTGTCTCCGGGCGCTGGCGGCCCCAGCAGCTCCTCGGCTCCC[G>C]GCTCCTCCGCGCCGCCCTTCCCCGCGCCCCCGCCGCCGCCCTTCTGTTTCTCCGCTTCCT-3'
Protein context (NP_005506.3, residues 318-338): GGAGKGGAEE[Pro328Arg]GAEELLGPPA

ClinVar aggregate classification (germline): Uncertain significance. Review status: criteria provided, multiple submitters, no conflicts (2 of 4 stars). 2 submissions from 2 submitters: Uncertain significance (2). Last evaluated 2025-08-31.

Conditions:
Currarino triad. Identifiers: Orphanet 1552, MedGen C1531773, MONDO:0008305, OMIM 176450.

Submissions (2):

Labcorp Genetics (formerly Invitae), Labcorp
Classification: Uncertain significance. Last evaluated: 2025-08-31. Review status: criteria provided, single submitter. Criteria: Invitae Variant Classification Sherloc (09022015). Collection method: clinical testing. Allele origin: germline.
Comment: This sequence change replaces proline, which is neutral and non-polar, with arginine, which is basic and polar, at codon 328 of the MNX1 protein (p.Pro328Arg). This variant is present in population databases (no rsID available, gnomAD 0.01%). This variant has not been reported in the literature in individuals affected with MNX1-related conditions. ClinVar contains an entry for this variant (Variation ID: 3594449). Invitae Evidence Modeling of protein sequence and biophysical properties (such as structural, functional, and spatial information, amino acid conservation, physicochemical variation, residue mobility, and thermodynamic stability) indicates that this missense variant is not expected to disrupt MNX1 protein function with a negative predictive value of 80%. In summary, the available evidence is currently insufficient to determine the role of this variant in disease. Therefore, it has been classified as a Variant of Uncertain Significance.

Fulgent Genetics
Classification: Uncertain significance for Currarino triad. Last evaluated: 2024-04-08. Review status: criteria provided, single submitter. Criteria: ACMG Guidelines, 2015. Collection method: clinical testing. Allele origin: germline.